The following is an entry in ClinVar:

NM_021267.5(CERS1):c.95C>T (p.Ala32Val)

Genes: GDF1 (growth differentiation factor 1; minus strand), CERS1 (ceramide synthase 1; minus strand). Cytogenetic location: 19p13.11.
Variant type: single nucleotide variant.
Coding change: c.95C>T on transcript NM_021267.5 (MANE Select); coding-DNA position 95, C replaced by T.
Protein change: p.Ala32Val; replaces alanine 32 with valine.
Molecular consequence: missense variant. On other transcripts: 5 prime UTR variant (4), intron variant (3).
Genome position (GRCh38, 1-based): chr19:18,895,978, G>A on the plus strand (C>T on the coding strand, the complement: CERS1 is on the minus strand). VCF-style: chr19-18895978-G-A. GRCh37 (hg19) VCF-style: chr19-19006787-G-A.
Other names: c.95C>T, p.Ala32Val (NM_001387439.1, NM_001387440.1, NM_001387441.1 and 1 more transcripts); c.-434C>T (NM_001387444.1); c.-381C>T (NM_001387445.1); c.-808C>T (NM_001387438.1); c.-1228C>T (NM_001492.6); c.-46+748C>T (NM_001387443.1); c.-46+583C>T (NM_001387442.1, NM_001290265.2); short protein forms A32V.
Identifiers: ClinVar variation 962157 (VCV000962157.9), dbSNP rs1387898936, ClinGen allele CA404868671.
Genomic context (GRCh38, chr19:18,895,978, plus strand): 5'-TGCTCAGCCAGGCCGCGACGCGCCAGCCCCCAGCCGCAGTCCGTGCAGCCCCGCGCCGCC[G>A]CCAGCGCGCTGCCCCAGCCGCGCTGCACTAGCTGCGCGTAGCTCGGCATGGGCTCGGGCC-3'
Protein context (NP_067090.1, residues 22-42): LVQRGWGSAL[Ala32Val]AARGCTDCGW

ClinVar aggregate classification (germline): Uncertain significance (1 of 4 stars; one submission).

Conditions:
Progressive myoclonic epilepsy type 8. Identifiers: Orphanet 424027, MedGen C5190825, MONDO:0014545, OMIM 616230.

Allele frequency attached by ClinVar (database versions not stated): TOPMed below 0.00001; gnomAD exomes 0.00011.
gnomAD v4.1: 1 of 1,052,026 alleles (0.000095%); no homozygotes.

Submission:

Labcorp Genetics (formerly Invitae), Labcorp
Classification: Uncertain significance for Progressive myoclonic epilepsy type 8. Last evaluated: 2021-01-21. Review status: criteria provided, single submitter. Criteria: Invitae Variant Classification Sherloc (09022015). Collection method: clinical testing. Allele origin: germline.
Comment: This sequence change replaces alanine with valine at codon 32 of the CERS1 protein (p.Ala32Val). The alanine residue is moderately conserved and there is a small physicochemical difference between alanine and valine. The frequency data for this variant in the population databases is considered unreliable, as metrics indicate insufficient coverage at this position in the ExAC database. This variant has not been reported in the literature in individuals with CERS1-related conditions. ClinVar contains an entry for this variant (Variation ID: 962157). Algorithms developed to predict the effect of missense changes on protein structure and function (SIFT, PolyPhen-2, Align-GVGD) all suggest that this variant is likely to be tolerated, but these predictions have not been confirmed by published functional studies and their clinical significance is uncertain. In summary, the available evidence is currently insufficient to determine the role of this variant in disease. Therefore, it has been classified as a Variant of Uncertain Significance.